The following is an entry in ClinVar:

NM_030773.4(TUBB1):c.926G>A (p.Arg309His)

Gene: TUBB1 (tubulin beta 1 class VI; plus strand). Cytogenetic location: 20q13.32.
Variant type: single nucleotide variant.
Coding change: c.926G>A on transcript NM_030773.4 (MANE Select); coding-DNA position 926, G replaced by A.
Protein change: p.Arg309His; replaces arginine 309 with histidine.
Molecular consequence: missense variant.
Genome position (GRCh38, 1-based): chr20:59,024,353, G>A. VCF-style: chr20-59024353-G-A. GRCh37 (hg19) VCF-style: chr20-57599408-G-A.
Other names: short protein forms R309H.
Identifiers: ClinVar variation 3682328 (VCV003682328.2).

ClinVar aggregate classification (germline): Uncertain significance (1 of 4 stars; one submission).

gnomAD v4.1: 59 of 1,613,968 alleles (0.0037%); highest among the groups gnomAD compares: Non-Finnish European, 0.0047%; no homozygotes.

Submission:

Labcorp Genetics (formerly Invitae), Labcorp
Classification: Uncertain significance. Last evaluated: 2024-02-25. Review status: criteria provided, single submitter. Criteria: Invitae Variant Classification Sherloc (09022015). Collection method: clinical testing. Allele origin: germline.
Comment: This sequence change replaces arginine, which is basic and polar, with histidine, which is basic and polar, at codon 309 of the TUBB1 protein (p.Arg309His). This variant is present in population databases (rs776524370, gnomAD 0.006%). This variant has not been reported in the literature in individuals affected with TUBB1-related conditions. Advanced modeling of protein sequence and biophysical properties (such as structural, functional, and spatial information, amino acid conservation, physicochemical variation, residue mobility, and thermodynamic stability) performed at Invitae indicates that this missense variant is expected to disrupt TUBB1 protein function with a positive predictive value of 80%. In summary, the available evidence is currently insufficient to determine the role of this variant in disease. Therefore, it has been classified as a Variant of Uncertain Significance.